The following is an entry in ClinVar:

NM_001927.4(DES):c.1009G>A (p.Ala337Thr)

Gene: DES (desmin; plus strand). Cytogenetic location: 2q35.
Variant type: single nucleotide variant.
Coding change: c.1009G>A on transcript NM_001927.4 (MANE Select); coding-DNA position 1009, G replaced by A.
Protein change: p.Ala337Thr; replaces alanine 337 with threonine.
Molecular consequence: missense variant.
Genome position (GRCh38, 1-based): chr2:219,420,939, G>A. VCF-style: chr2-219420939-G-A. GRCh37 (hg19) VCF-style: chr2-220285661-G-A.
Other names: c.1009G>A (LRG_380t1); short protein forms A337T.
Identifiers: ClinVar variation 382176 (VCV000382176.21), dbSNP rs59962885, ClinGen allele CA2125204.
Genomic context (GRCh38, chr2:219,420,939, plus strand): 5'-GCCAAGCAGGAGATGATGGAATACCGACACCAGATCCAGTCCTACACCTGCGAGATTGAC[G>A]CCCTGAAGGGCACTGTGAGTCCCTGCCCACCTGGCCAGGCCCTGCCCCTTCCTGTCTGCA-3'
Protein context (NP_001918.3, residues 327-347): QIQSYTCEID[Ala337Thr]LKGTNDSLMR

ClinVar aggregate classification (germline): Uncertain significance. Review status: criteria provided, multiple submitters, no conflicts (2 of 4 stars). 7 submissions from 7 submitters: Uncertain significance (7). Last evaluated 2026-02-02.

Conditions:
DES-related disorder. Also called: DES-related condition.
Cardiovascular phenotype. Identifiers: MedGen CN230736.
Desmin-related myofibrillar myopathy (MFM1). Also called: Desmin related myopathy (former name); Desmin storage myopathy (former name); Desminopathy; Myofibrillar myopathy 1; MYOFIBRILLAR MYOPATHY WITH ARRHYTHMOGENIC RIGHT VENTRICULAR CARDIOMYOPATHY; DESMIN-RELATED MYOPATHY WITH ARRHYTHMOGENIC RIGHT VENTRICULAR CARDIOMYOPATHY. Identifiers: Orphanet 363543, Orphanet 98909, MedGen C1832370, MONDO:0011076, OMIM 601419.
Dilated cardiomyopathy 1I (CMD1I). Identifiers: Orphanet 154, MedGen C1858154, MONDO:0011482, OMIM 604765.
Neurogenic scapuloperoneal syndrome, Kaeser type (SCPNK). Also called: KAESER SYNDROME. Identifiers: Orphanet 85146, MedGen C1867005, MONDO:0008407, OMIM 181400.

Allele frequency attached by ClinVar (database versions not stated): TOPMed 0.00006; gnomAD exomes 0.00007; ExAC 0.00012; gnomAD 0.00004 and 0.00005.

Submissions (7):

Labcorp Genetics (formerly Invitae), Labcorp
Classification: Uncertain significance for Desmin-related myofibrillar myopathy. Last evaluated: 2026-02-02. Review status: criteria provided, single submitter. Criteria: Invitae Variant Classification Sherloc (09022015). Collection method: clinical testing. Allele origin: germline.
Comment: This sequence change replaces alanine, which is neutral and non-polar, with threonine, which is neutral and polar, at codon 337 of the DES protein (p.Ala337Thr). This variant is present in population databases (rs59962885, gnomAD 0.03%). This missense change has been observed in individual(s) with sudden unexplained death (PMID: 29247119). ClinVar contains an entry for this variant (Variation ID: 382176). Invitae Evidence Modeling of protein sequence and biophysical properties (such as structural, functional, and spatial information, amino acid conservation, physicochemical variation, residue mobility, and thermodynamic stability) has been performed for this missense variant. However, the output from this modeling did not meet the statistical confidence thresholds required to predict the impact of this variant on DES protein function. In summary, the available evidence is currently insufficient to determine the role of this variant in disease. Therefore, it has been classified as a Variant of Uncertain Significance.

PreventionGenetics, part of Exact Sciences
Classification: Uncertain significance for DES-related condition. Last evaluated: 2026-01-20. Review status: criteria provided, single submitter. Criteria: ACMG Guidelines, 2015. Collection method: clinical testing. Allele origin: germline.
Comment: The DES c.1009G>A variant is predicted to result in the amino acid substitution p.Ala337Thr. This variant has been reported as a variant of uncertain significance in individuals with noncompaction cardiomyopathy, dilated cardiomyopathy, or sudden unexplained death; however, this variant was also documented in control individuals (Table S3, Lin et al. 2017. PubMed ID: 29247119; Online Table 3, van Waning et al. 2018. PubMed ID: 29447731; Table S9, McGurk et al. 2023. PubMed ID: 37652022). This variant is reported in 0.029% of alleles in individuals of South Asian descent in gnomAD. At this time, the clinical significance of this variant is uncertain due to the absence of conclusive functional and genetic evidence.

Women's Health and Genetics/Laboratory Corporation of America, LabCorp
Classification: Uncertain significance. Last evaluated: 2025-04-07. Review status: criteria provided, single submitter. Criteria: LabCorp Variant Classification Summary - May 2015. Collection method: clinical testing. Allele origin: germline.
Comment: Variant summary: DES c.1009G>A (p.Ala337Thr) results in a non-conservative amino acid change located in the Intermediate filament, rod domain (IPR039008) of the encoded protein sequence. Four of five in-silico tools predict a damaging effect of the variant on protein function. The variant allele was found at a frequency of 6.8e-05 in 250286 control chromosomes (gnomAD). The observed variant frequency is approximately 2 fold of the estimated maximal expected allele frequency for a pathogenic variant in DES causing Dilated Cardiomyopathy phenotype (3.1e-05), strongly suggesting that the variant is benign. c.1009G>A has been reported in the literature in individuals from cohorts of hypertrophy cardiomyopathy/dilated cardiomyopathy /sudden death that had panel testing (example: Lin_2017, McGurk_2023). These report(s) do not provide unequivocal conclusions about association of the variant with Dilated Cardiomyopathy. To our knowledge, no experimental evidence demonstrating an impact on protein function has been reported. The following publications have been ascertained in the context of this evaluation (PMID: 29247119, 37652022). ClinVar contains an entry for this variant (Variation ID: 382176). Based on the evidence outlined above, the variant was classified as uncertain significance.

Ambry Genetics
Classification: Uncertain significance for Cardiovascular phenotype. Last evaluated: 2024-07-26. Review status: criteria provided, single submitter. Criteria: Ambry Variant Classification Scheme 2023. Collection method: clinical testing. Allele origin: germline.
Comment: The p.A337T variant (also known as c.1009G>A), located in coding exon 5 of the DES gene, results from a G to A substitution at nucleotide position 1009. The alanine at codon 337 is replaced by threonine, an amino acid with similar properties. This variant has been detected in a sudden death cohort, and in a non-compaction cardiomyopathy cohort; however, details were limited (Lin Y et al. Circ Cardiovasc Genet, 2017 Dec;10; van Waning JI et al. J. Am. Coll. Cardiol., 2018 02;71:711-722). This amino acid position is not well conserved in available vertebrate species. In addition, the in silico prediction for this alteration is inconclusive. Since supporting evidence is limited at this time, the clinical significance of this alteration remains unclear.

GeneDx
Classification: Uncertain significance. Last evaluated: 2024-05-06. Review status: criteria provided, single submitter. Criteria: GeneDx Variant Classification Process June 2021. Collection method: clinical testing. Allele origin: germline. Affected: yes.
Comment: Identified in patients with DCM, sudden death, and non-compaction cardiomyopathy (NCCM) in published literature (PMID: 37652022, 29247119, 29447731); In silico analysis indicates that this missense variant does not alter protein structure/function; This variant is associated with the following publications: (PMID: 32906206, 26807690, 29247119, 37652022, 29447731)

Neuberg Centre For Genomic Medicine, NCGM
Classification: Uncertain significance for Dilated cardiomyopathy 1I. Last evaluated: 2023-02-14. Review status: criteria provided, single submitter. Criteria: ACMG Guidelines, 2015. Collection method: clinical testing. Allele origin: germline. Inheritance: Autosomal dominant inheritance. Affected: yes.
Comment: The missense c.1009G>A (p.Ala337Thr) variant in the DES gene has been detected in a sudden death cohort, and in a non_x0002_compaction cardiomyopathy cohort; however, details are limited (van Waning, Jaap I et al., 2018; Lin, Ying et al., 2017). This variant is reported with the allele frequency (0.006%) in the gnomAD Exomes and novel in 1000 Genomes. It is submitted to ClinVar as Uncertain Significance. The amino acid Alanine at position 337 is changed to a Threonine changing protein sequence and it might alter its composition and physico-chemical properties. The amino acid change p.Ala337Thr in DES is predicted as conserved by GERP++ and PhyloP across 100 vertebrates. For these reasons, this variant has been classified as Uncertain Significance

Fulgent Genetics
Classification: Uncertain significance for Neurogenic scapuloperoneal syndrome, Kaeser type; Desmin-related myofibrillar myopathy; Dilated cardiomyopathy 1I. Last evaluated: 2021-10-12. Review status: criteria provided, single submitter. Criteria: ACMG Guidelines, 2015. Collection method: clinical testing. Allele origin: unknown.

Literature cited by the submitters: PubMed 29247119 (cited by 3 submitters); PubMed 37652022 (cited by Women's Health and Genetics/Laboratory Corporation of America, LabCorp); PubMed 10717012 (cited by Ambry Genetics); PubMed 29447731 (cited by Ambry Genetics); PubMed 9697706 (cited by Ambry Genetics).